The following is an entry in ClinVar:

ClinVar aggregate classification (germline): Uncertain significance (1 of 4 stars; one submission).

Conditions:
NR2F2-related disorder. Also called: NR2F2-related condition.

Submission:

PreventionGenetics, part of Exact Sciences
Classification: Uncertain significance for NR2F2-related condition. Last evaluated: 2026-01-28. Review status: criteria provided, single submitter. Criteria: ACMG Guidelines, 2015. Collection method: clinical testing. Allele origin: germline.
Comment: The NR2F2 c.289G>A variant is predicted to result in the amino acid substitution p.Glu97Lys. To our knowledge, this variant has not been reported in the literature or in a large population database (gnomAD), indicating this variant is rare. At this time, the clinical significance of this variant is uncertain due to the absence of conclusive functional and genetic evidence.

NM_021005.4(NR2F2):c.289G>A (p.Glu97Lys)

Gene: NR2F2 (nuclear receptor subfamily 2 group F member 2; plus strand). Cytogenetic location: 15q26.2.
Variant type: single nucleotide variant.
Coding change: c.289G>A on transcript NM_021005.4 (MANE Select); coding-DNA position 289, G replaced by A.
Protein change: p.Glu97Lys; replaces glutamic acid 97 with lysine.
Molecular consequence: missense variant. On other transcripts: intron variant (1).
Genome position (GRCh38, 1-based): chr15:96,332,394, G>A. VCF-style: chr15-96332394-G-A. GRCh37 (hg19) VCF-style: chr15-96875623-G-A.
Other names: c.44-1682G>A (NM_001145155.2); short protein forms E97K.
Identifiers: ClinVar variation 4991616 (VCV004991616.1).
Genomic context (GRCh38, chr15:96,332,394, plus strand): 5'-ATCGAGTGCGTGGTGTGCGGAGACAAGTCGAGCGGCAAGCACTACGGCCAGTTCACGTGC[G>A]AGGGCTGCAAGAGCTTCTTCAAGCGCAGCGTGCGGAGGAACCTGAGCTACACGTGCCGCG-3'
Protein context (NP_066285.1, residues 87-107): SGKHYGQFTC[Glu97Lys]GCKSFFKRSV